The following is an entry in ClinVar:

ClinVar aggregate classification (germline): Uncertain significance. Review status: criteria provided, multiple submitters, no conflicts (2 of 4 stars). 2 submissions from 2 submitters: Uncertain significance (2). Last evaluated 2025-10-29.

Allele frequency attached by ClinVar (database versions not stated): ExAC 0.00002; TOPMed 0.00005; gnomAD 0.00007; gnomAD exomes 0.00009; ESP Exome Variant Server 0.00015.
gnomAD v4.1: 140 of 1,613,860 alleles (0.0087%); highest among the groups gnomAD compares: Non-Finnish European, 0.011%; no homozygotes.

Submissions (2):

Labcorp Genetics (formerly Invitae), Labcorp
Classification: Uncertain significance. Last evaluated: 2025-10-29. Review status: criteria provided, single submitter. Criteria: Invitae Variant Classification Sherloc (09022015). Collection method: clinical testing. Allele origin: germline.
Comment: This sequence change replaces proline, which is neutral and non-polar, with leucine, which is neutral and non-polar, at codon 98 of the TXN2 protein (p.Pro98Leu). This variant is present in population databases (rs139984170, gnomAD 0.006%). This variant has not been reported in the literature in individuals affected with TXN2-related conditions. ClinVar contains an entry for this variant (Variation ID: 2170439). An algorithm developed to predict the effect of missense changes on protein structure and function (PolyPhen-2) suggests that this variant is likely to be disruptive. In summary, the available evidence is currently insufficient to determine the role of this variant in disease. Therefore, it has been classified as a Variant of Uncertain Significance.

Ambry Genetics
Classification: Uncertain significance. Last evaluated: 2025-08-02. Review status: criteria provided, single submitter. Criteria: Ambry Variant Classification Scheme 2023. Collection method: clinical testing. Allele origin: germline.

NM_012473.4(TXN2):c.293C>T (p.Pro98Leu)

Gene: TXN2 (thioredoxin 2; minus strand). Cytogenetic location: 22q12.3.
Variant type: single nucleotide variant.
Coding change: c.293C>T on transcript NM_012473.4 (MANE Select); coding-DNA position 293, C replaced by T.
Protein change: p.Pro98Leu; replaces proline 98 with leucine.
Molecular consequence: missense variant.
Genome position (GRCh38, 1-based): chr22:36,476,827, G>A on the plus strand (C>T on the coding strand, the complement: TXN2 is on the minus strand). VCF-style: chr22-36476827-G-A. GRCh37 (hg19) VCF-style: chr22-36872874-G-A.
Other names: c.293C>T (NM_012473.3); short protein forms P98L.
Identifiers: ClinVar variation 2170439 (VCV002170439.5), dbSNP rs139984170, ClinGen allele CA10210848.